The following is an entry in ClinVar:

NM_000338.3(SLC12A1):c.2047C>T (p.Gln683Ter)

Gene: SLC12A1 (solute carrier family 12 member 1; plus strand). Cytogenetic location: 15q21.1.
Variant type: single nucleotide variant.
Coding change: c.2047C>T on transcript NM_000338.3 (MANE Select); coding-DNA position 2047, C replaced by T.
Protein change: p.Gln683Ter; replaces glutamine 683 with a stop codon.
Molecular consequence: nonsense.
Genome position (GRCh38, 1-based): chr15:48,259,204, C>T. VCF-style: chr15-48259204-C-T. GRCh37 (hg19) VCF-style: chr15-48551401-C-T.
Other names: c.2047C>T, p.Gln683Ter (NM_001184832.2, NM_001384136.1); short protein forms Q683*.
Identifiers: ClinVar variation 2888918 (VCV002888918.4), dbSNP rs1273695811, ClinGen allele CA392313992.

ClinVar aggregate classification (germline): Pathogenic/Likely pathogenic. Review status: criteria provided, multiple submitters, no conflicts (2 of 4 stars). 2 submissions from 2 submitters: Pathogenic (1); Likely pathogenic (1). Last evaluated 2024-05-13.

Conditions:
Bartter disease type 1. Also called: Bartter Syndrome type 1; HYPERPROSTAGLANDIN E SYNDROME 1; Bartter syndrome, type 1, antenatal; HYPOKALEMIC ALKALOSIS WITH HYPERCALCIURIA 1, ANTENATAL. Identifiers: Orphanet 112, Orphanet 620217, MedGen C1866495, MONDO:0100344, OMIM 601678, MONDO:0011127.

Submissions (2):

Fulgent Genetics
Classification: Likely pathogenic for Bartter disease type 1. Last evaluated: 2024-05-13. Review status: criteria provided, single submitter. Criteria: ACMG Guidelines, 2015. Collection method: clinical testing. Allele origin: germline.

Labcorp Genetics (formerly Invitae), Labcorp
Classification: Pathogenic. Last evaluated: 2023-07-17. Review status: criteria provided, single submitter. Criteria: Invitae Variant Classification Sherloc (09022015). Collection method: clinical testing. Allele origin: germline.
Comment: For these reasons, this variant has been classified as Pathogenic. This variant has not been reported in the literature in individuals affected with SLC12A1-related conditions. This variant is not present in population databases (gnomAD no frequency). This sequence change creates a premature translational stop signal (p.Gln683*) in the SLC12A1 gene. It is expected to result in an absent or disrupted protein product. Loss-of-function variants in SLC12A1 are known to be pathogenic (PMID: 8640224, 9585600, 19096086).

Literature cited by the submitters: PubMed 8640224 (cited by Labcorp Genetics (formerly Invitae), Labcorp); PubMed 9585600 (cited by Labcorp Genetics (formerly Invitae), Labcorp); PubMed 19096086 (cited by Labcorp Genetics (formerly Invitae), Labcorp).